The following is an entry in ClinVar:

ClinVar aggregate classification (germline): Uncertain significance. Review status: criteria provided, multiple submitters, no conflicts (2 of 4 stars). 3 submissions from 3 submitters: Uncertain significance (3). Last evaluated 2025-11-15.

Conditions:
Idiopathic Pulmonary Fibrosis. Also called: Idiopathic fibrosing alveolitis, chronic form; idiopathic fibrosing alveolitis. Identifiers: Orphanet 2032, MedGen C1800706, MeSH D054990, MONDO:0800504.
Dyskeratosis congenita, autosomal dominant 2. Identifiers: MedGen C3151443, MONDO:0013521, OMIM 613989.
Dyskeratosis congenita. Identifiers: Orphanet 1775, MedGen C0265965, MONDO:0015780.

Allele frequency attached by ClinVar (database versions not stated): gnomAD exomes 0.00001; ExAC 0.00002; gnomAD 0.00003; TOPMed 0.00003.
gnomAD v4.1: 11 of 1,594,092 alleles (0.00069%); highest among the groups gnomAD compares: Non-Finnish European, 0.00093%; no homozygotes.

Submissions (3):

Labcorp Genetics (formerly Invitae), Labcorp
Classification: Uncertain significance for Dyskeratosis congenita, autosomal dominant 2; Idiopathic Pulmonary Fibrosis. Last evaluated: 2025-11-15. Review status: criteria provided, single submitter. Criteria: Invitae Variant Classification Sherloc (09022015). Collection method: clinical testing. Allele origin: germline.
Comment: This sequence change replaces asparagine, which is neutral and polar, with isoleucine, which is neutral and non-polar, at codon 204 of the TERT protein (p.Asn204Ile). This variant is present in population databases (rs764473257, gnomAD 0.002%). This variant has not been reported in the literature in individuals affected with TERT-related conditions. ClinVar contains an entry for this variant (Variation ID: 844611). Invitae Evidence Modeling of protein sequence and biophysical properties (such as structural, functional, and spatial information, amino acid conservation, physicochemical variation, residue mobility, and thermodynamic stability) indicates that this missense variant is expected to disrupt TERT protein function with a positive predictive value of 95%. In summary, the available evidence is currently insufficient to determine the role of this variant in disease. Therefore, it has been classified as a Variant of Uncertain Significance.

Ambry Genetics
Classification: Uncertain significance for Dyskeratosis congenita. Last evaluated: 2025-06-30. Review status: criteria provided, single submitter. Criteria: Ambry Variant Classification Scheme 2023. Collection method: clinical testing. Allele origin: germline.
Comment: The p.N204I variant (also known as c.611A>T), located in coding exon 2 of the TERT gene, results from an A to T substitution at nucleotide position 611. The asparagine at codon 204 is replaced by isoleucine, an amino acid with dissimilar properties. This amino acid position is well conserved in available vertebrate species. In addition, this alteration is predicted to be tolerated by in silico analysis. Based on the available evidence, the clinical significance of this variant remains unclear.

GeneDx
Classification: Uncertain significance. Last evaluated: 2024-02-06. Review status: criteria provided, single submitter. Criteria: GeneDx Variant Classification Process June 2021. Collection method: clinical testing. Allele origin: germline. Affected: yes.
Comment: Not observed at significant frequency in large population cohorts (gnomAD); In silico analysis supports that this missense variant does not alter protein structure/function; Has not been previously published as pathogenic or benign to our knowledge

NM_198253.3(TERT):c.611A>T (p.Asn204Ile)

Gene: TERT (telomerase reverse transcriptase; minus strand). Cytogenetic location: 5p15.33.
Variant type: single nucleotide variant.
Coding change: c.611A>T on transcript NM_198253.3 (MANE Select); coding-DNA position 611, A replaced by T.
Protein change: p.Asn204Ile; replaces asparagine 204 with isoleucine.
Molecular consequence: missense variant. On other transcripts: non-coding transcript variant (2).
Genome position (GRCh38, 1-based): chr5:1,294,275, T>A on the plus strand (A>T on the coding strand, the complement: TERT is on the minus strand). VCF-style: chr5-1294275-T-A. GRCh37 (hg19) VCF-style: chr5-1294390-T-A.
Other names: c.611A>T, p.Asn204Ile (NM_001193376.3); short protein forms N204I.
Identifiers: ClinVar variation 844611 (VCV000844611.13), dbSNP rs764473257, ClinGen allele CA3184946.